The following is an entry in ClinVar:

ClinVar aggregate classification (germline): Pathogenic. Review status: criteria provided, multiple submitters, no conflicts (2 of 4 stars). 4 submissions from 4 submitters: Pathogenic (4). Last evaluated 2026-03-28.

Conditions:
IMPG2-related disorder. Also called: IMPG2-related condition.
IMPG2-related disorders.

Submissions (4):

PreventionGenetics, part of Exact Sciences
Classification: Pathogenic for IMPG2-related condition. Last evaluated: 2026-03-28. Review status: criteria provided, single submitter. Criteria: ACMG Guidelines, 2015. Collection method: clinical testing. Allele origin: germline.
Comment: The IMPG2 c.3229dupT variant is predicted to result in a frameshift and premature protein termination (p.Cys1077Leufs*2). This variant has been reported in the compound heterozygous state in an individual with retinal dystrophy (Table S2, Lionel et al. 2018. PubMed ID: 28771251). This variant is reported in 0.0040% of alleles in individuals of African descent in gnomAD. Frameshift variants in IMPG2 are expected to be pathogenic. This variant is interpreted as pathogenic.

Labcorp Genetics (formerly Invitae), Labcorp
Classification: Pathogenic. Last evaluated: 2025-10-08. Review status: criteria provided, single submitter. Criteria: Invitae Variant Classification Sherloc (09022015). Collection method: clinical testing. Allele origin: germline.
Comment: This sequence change creates a premature translational stop signal (p.Cys1077Leufs*2) in the IMPG2 gene. It is expected to result in an absent or disrupted protein product. Loss-of-function variants in IMPG2 are known to be pathogenic (PMID: 20673862). This variant is present in population databases (rs779626652, gnomAD 0.004%). This premature translational stop signal has been observed in individual(s) with autosomal recessive retinal dystrophy (PMID: 28771251). ClinVar contains an entry for this variant (Variation ID: 866639). For these reasons, this variant has been classified as Pathogenic.

GeneDx
Classification: Pathogenic. Last evaluated: 2025-06-24. Review status: criteria provided, single submitter. Criteria: GeneDx Variant Classification Process June 2021. Collection method: clinical testing. Allele origin: germline.
Comment: Frameshift variant predicted to result in protein truncation or nonsense mediated decay in a gene for which loss of function is a known mechanism of disease; This variant is associated with the following publications: (PMID: 28771251, 31964843)

Blueprint Genetics
Classification: Pathogenic for IMPG2-related disorders. Last evaluated: 2023-06-22. Review status: criteria provided, single submitter. Criteria: ACMG Guidelines, 2015. Collection method: clinical testing. Allele origin: germline. Affected: yes. Observed: 5 variant alleles.

Literature cited by the submitters: PubMed 20673862 (cited by Labcorp Genetics (formerly Invitae), Labcorp); PubMed 28771251 (cited by Labcorp Genetics (formerly Invitae), Labcorp).

NM_016247.4(IMPG2):c.3229dup (p.Cys1077fs)

Gene: IMPG2 (interphotoreceptor matrix proteoglycan 2; minus strand). Cytogenetic location: 3q12.3.
Variant type: Duplication.
Coding change: c.3229dup on transcript NM_016247.4 (MANE Select); coding-DNA position 3229, one base duplicated (T; older notation c.3229dupT).
Protein change: p.Cys1077fs; shifts the reading frame from cysteine 1077.
Molecular consequence: frameshift variant.
Genome position (GRCh38, 1-based): chr3:101,232,785, A duplicated on the plus strand (T on the coding strand, the reverse complement: IMPG2 is on the minus strand); the first of 3 consecutive A bases (chr3:101,232,785-101,232,787); duplicating any one gives the same sequence. VCF-style (leftmost placement, unchanged base first): chr3-101232784-C-CA. GRCh37 (hg19) VCF-style: chr3-100951628-C-CA.
Other names: c.3229dupT (NM_016247.3); short protein forms C1077fs.
Identifiers: ClinVar variation 866639 (VCV000866639.14), dbSNP rs779626652, ClinGen allele CA2518813.